The following is an entry in ClinVar:

ClinVar aggregate classification (germline): Benign/Likely benign. Review status: criteria provided, multiple submitters, no conflicts (2 of 4 stars). 3 submissions from 3 submitters: Benign (1); Likely benign (2). Last evaluated 2026-01-05.

Conditions:
Hereditary cancer-predisposing syndrome. Also called: Neoplastic Syndromes, Hereditary; Hereditary Cancer Syndrome; Tumor predisposition; Hereditary neoplastic syndrome. Identifiers: Orphanet 140162, MedGen C0027672, MeSH D009386, MONDO:0015356.
Hereditary diffuse gastric adenocarcinoma (HDGC). Also called: DIFFUSE GASTRIC AND LOBULAR BREAST CANCER SYNDROME. Identifiers: Orphanet 26106, MedGen C1708349, MONDO:0007648, OMIM 137215.

Submissions (3):

Labcorp Genetics (formerly Invitae), Labcorp
Classification: Likely benign for Hereditary diffuse gastric adenocarcinoma. Last evaluated: 2026-01-05. Review status: criteria provided, single submitter. Criteria: Invitae Variant Classification Sherloc (09022015). Collection method: clinical testing. Allele origin: germline.

Myriad Genetics, Inc.
Classification: Benign for Hereditary diffuse gastric adenocarcinoma. Last evaluated: 2024-09-20. Review status: criteria provided, single submitter. Criteria: Myriad Autosomal Dominant, Autosomal Recessive and X-Linked Classification Criteria (2023). Collection method: clinical testing. Allele origin: unknown.
Comment: This variant is considered benign. This variant is a silent/synonymous amino acid change and it is not expected to impact splicing.

Ambry Genetics
Classification: Likely benign for Hereditary cancer-predisposing syndrome. Last evaluated: 2023-03-18. Review status: criteria provided, single submitter. Criteria: Ambry Variant Classification Scheme 2023. Collection method: clinical testing. Allele origin: germline.

NM_004360.5(CDH1):c.1821A>C (p.Pro607=)

Gene: CDH1 (cadherin 1; plus strand). Cytogenetic location: 16q22.1.
Variant type: single nucleotide variant.
Coding change: c.1821A>C on transcript NM_004360.5 (MANE Select); coding-DNA position 1821, A replaced by C.
Protein change: p.Pro607=; no amino-acid change (proline 607 retained).
Molecular consequence: synonymous variant. On other transcripts: 5 prime UTR variant (1).
Genome position (GRCh38, 1-based): chr16:68,822,110, A>C. VCF-style: chr16-68822110-A-C. GRCh37 (hg19) VCF-style: chr16-68856013-A-C.
Other names: c.1638A>C, p.Pro546= (NM_001317184.2); c.273A>C, p.Pro91= (NM_001317185.2); c.-145A>C (NM_001317186.2).
Identifiers: ClinVar variation 2567598 (VCV002567598.4), dbSNP rs1961162578, ClinGen allele CA496392594.
Genomic context (GRCh38, chr16:68,822,110, plus strand): 5'-TGTGAATGACAACGCCCCCATACCAGAACCTCGAACTATATTCTTCTGTGAGAGGAATCC[A>C]AAGCCTCAGGTCATAAACATCATTGATGCAGACCTTCCTCCCAATACATCTCCCTTCACA-3'
Protein context (NP_004351.1, residues 597-617): PRTIFFCERN[Pro607=]KPQVINIIDA